The following is an entry in ClinVar:

ClinVar aggregate classification (germline): Uncertain significance (1 of 4 stars; one submission).

Allele frequency attached by ClinVar (database versions not stated): ExAC 0.00001; gnomAD exomes 0.00001; TOPMed 0.00003.
gnomAD v4.1: 8 of 1,206,591 alleles (0.00066%); highest among the groups gnomAD compares: Middle Eastern, 0.023%; no homozygotes.

Submission:

Labcorp Genetics (formerly Invitae), Labcorp
Classification: Uncertain significance. Last evaluated: 2023-07-03. Review status: criteria provided, single submitter. Criteria: Invitae Variant Classification Sherloc (09022015). Collection method: clinical testing. Allele origin: germline.
Comment: This variant has not been reported in the literature in individuals affected with CACNA1F-related conditions. In summary, the available evidence is currently insufficient to determine the role of this variant in disease. Therefore, it has been classified as a Variant of Uncertain Significance. Algorithms developed to predict the effect of missense changes on protein structure and function output the following: SIFT: "Not Available"; PolyPhen-2: "Benign"; Align-GVGD: "Not Available". The isoleucine amino acid residue is found in multiple mammalian species, which suggests that this missense change does not adversely affect protein function. This variant is present in population databases (rs782793473, gnomAD 0.01%). This sequence change replaces valine, which is neutral and non-polar, with isoleucine, which is neutral and non-polar, at codon 1974 of the CACNA1F protein (p.Val1974Ile).

NM_001256789.3(CACNA1F):c.5887G>A (p.Val1963Ile)

Gene: CACNA1F (calcium voltage-gated channel subunit alpha1 F; minus strand). Cytogenetic location: Xp11.23.
Variant type: single nucleotide variant.
Coding change: c.5887G>A on transcript NM_001256789.3 (MANE Select); coding-DNA position 5887, G replaced by A.
Protein change: p.Val1963Ile; replaces valine 1963 with isoleucine.
Molecular consequence: missense variant.
Genome position (GRCh38, 1-based): chrX:49,205,151, C>T on the plus strand (G>A on the coding strand, the complement: CACNA1F is on the minus strand). VCF-style: chrX-49205151-C-T. GRCh37 (hg19) VCF-style: chrX-49061611-C-T.
Other names: c.5725G>A, p.Val1909Ile (NM_001256790.3); c.5920G>A, p.Val1974Ile (NM_005183.4); short protein forms V1963I, V1909I, V1974I.
Identifiers: ClinVar variation 2792690 (VCV002792690.3), dbSNP rs782793473, ClinGen allele CA10409877.